The following is an entry in ClinVar:

ClinVar aggregate classification (germline): Likely benign (0 of 4 stars; one submission).

Conditions:
SEMA3D-related disorder. Also called: SEMA3D-related condition.

Allele frequency attached by ClinVar (database versions not stated): gnomAD 0.00003; ExAC 0.00004; TOPMed 0.00004; gnomAD exomes 0.00013.
gnomAD v4.1: 198 of 1,610,328 alleles (0.012%); highest among the groups gnomAD compares: Middle Eastern, 0.017%; 1 homozygote.

Submission:

PreventionGenetics, part of Exact Sciences
Classification: Likely benign for SEMA3D-related condition. Last evaluated: 2021-09-08. Review status: no assertion criteria provided. Collection method: clinical testing. Allele origin: germline.
Comment: This variant is classified as likely benign based on ACMG/AMP sequence variant interpretation guidelines (Richards et al. 2015 PMID: 25741868, with internal and published modifications).

NM_001384900.1(SEMA3D):c.1734C>T (p.Gly578=)

Gene: SEMA3D (semaphorin 3D; minus strand). Cytogenetic location: 7q21.11.
Variant type: single nucleotide variant.
Coding change: c.1734C>T on transcript NM_001384900.1 (MANE Select); coding-DNA position 1734, C replaced by T.
Protein change: p.Gly578=; no amino-acid change (glycine 578 retained).
Molecular consequence: synonymous variant.
Genome position (GRCh38, 1-based): chr7:85,012,816, G>A on the plus strand (C>T on the coding strand, the complement: SEMA3D is on the minus strand). VCF-style: chr7-85012816-G-A. GRCh37 (hg19) VCF-style: chr7-84642132-G-A.
Other names: c.1734C>T, p.Gly578= (NM_001384901.1, NM_001384902.1, NM_001384903.1 and 1 more transcripts).
Identifiers: ClinVar variation 3036066 (VCV003036066.2), dbSNP rs748562150, ClinGen allele CA4323305.